The following is an entry in ClinVar:

ClinVar aggregate classification (germline): Pathogenic/Likely pathogenic. Review status: criteria provided, multiple submitters, no conflicts (2 of 4 stars). 4 submissions from 4 submitters: Pathogenic (2); Likely pathogenic (2). Last evaluated 2025-09-08.

Conditions:
RNU4ATAC spectrum disorder. Also called: RNU4atac-opathy. Identifiers: MedGen CN377746, MONDO:0100558.
RNU4ATAC-related disorder. Also called: RNU4ATAC-related condition.

gnomAD v4.1: 24 of 700,162 alleles (0.0034%); highest among the groups gnomAD compares: Non-Finnish European, 0.0057%; no homozygotes.

Submissions (4):

Labcorp Genetics (formerly Invitae), Labcorp
Classification: Pathogenic. Last evaluated: 2025-09-08. Review status: criteria provided, single submitter. Criteria: Invitae Variant Classification Sherloc (09022015). Collection method: clinical testing. Allele origin: germline.
Comment: This variant occurs in the RNU4ATAC gene, which encodes an RNA molecule that does not result in a protein product. This variant is present in population databases (no rsID available, gnomAD 0.002%). This variant has been observed in individual(s) with clinical features of RNU4ATAC-related conditions (PMID: 30455926; internal data). In at least one individual the data is consistent with being in trans (on the opposite chromosome) from a pathogenic variant. It has also been observed to segregate with disease in related individuals. ClinVar contains an entry for this variant (Variation ID: 1373455). This variant is located within the Sm protein-binding region of the RNU4ATAC RNA, which is important for small nuclear RNA maturation (PMID: 32628740). A significant number of disease-associated RNU4ATAC variants are found in this region (PMID: 32628740, 30368667). For these reasons, this variant has been classified as Pathogenic.

Broad Center for Mendelian Genomics, Broad Institute of MIT and Harvard
Classification: Likely pathogenic for RNU4ATAC spectrum disorder. Last evaluated: 2025-08-21. Review status: criteria provided, single submitter. Criteria: Ellingford et al. (Genome Med. 2022). Collection method: curation. Allele origin: germline. Inheritance: Autosomal recessive inheritance.
Comment: The heterozygous n.116A>C variant in RNU4ATAC was identified by our study in two individuals with RNU4ATAC spectrum disorder. This variant has been reported in the literature in one individual with RNU4ATAC spectrum disorder (PMID: 30455926), and has been identified in 0.006% (22/384766) of European (non-Finnish) chromosomes by the Genome Aggregation Database (gnomAD; dbSNP rs982261295). Although this variant has been seen in the general population in a heterozygous state, its frequency is low enough to be consistent with a recessive carrier frequency. This variant has also been reported in ClinVar (VCV001373455.6) and has been interpreted as pathogenic by Labcorp Genetics. Of the three affected individuals, two were compound heterozygotes that carried a reported pathogenic variant in trans, which increases the likelihood that the n.116A>C variant is pathogenic (VCV001478329.3, VCV000218083.44; PMID: 30455926). The n.116A>C variant is located in the Sm protein binding region of RNU4ATAC where several other variants have been identified, suggesting that this variant is in a functional domain and supports pathogenicity (PMID: 26522830, 32628740). In summary, although additional studies are required to fully establish its clinical significance, this variant is likely pathogenic for autosomal recessive RNU4ATAC spectrum disorder. ACMG/AMP Criteria applied: PM3_strong, PM1, PM2_supporting (Richards 2015).

Blueprint Genetics
Classification: Likely pathogenic for RNU4ATAC-related disorders. Last evaluated: 2024-03-07. Review status: criteria provided, single submitter. Criteria: ACMG Guidelines, 2015. Collection method: clinical testing. Allele origin: germline. Affected: yes. Observed: 5 variant alleles.

Institute for Medical Genetics and Human Genetics, Charité - Universitätsmedizin Berlin
Classification: Pathogenic. Review status: criteria provided, single submitter. Criteria: ACMG Guidelines, 2015. Collection method: not provided. Allele origin: germline. Inheritance: Autosomal recessive inheritance. Affected: yes.

Literature cited by the submitters: PubMed 30455926 (cited by Labcorp Genetics (formerly Invitae), Labcorp); PubMed 32628740 (cited by Labcorp Genetics (formerly Invitae), Labcorp); PubMed 30368667 (cited by Labcorp Genetics (formerly Invitae), Labcorp).

NM_001395891.1(CLASP1):c.196-670T>G

Genes: CLASP1 (cytoplasmic linker associated protein 1; minus strand), CLASP1-AS1 (CLASP1 antisense RNA 1; plus strand), RNU4ATAC (RNA, U4atac small nuclear; plus strand). Cytogenetic location: 2q14.2.
Variant type: single nucleotide variant.
Coding change: c.196-670T>G on transcript NM_001395891.1 (MANE Select); 670 bases into the intron before coding-DNA position 196, T replaced by G.
Molecular consequence: intron variant.
Genome position (GRCh38, 1-based): chr2:121,530,995, A>C on the plus strand (T>G on the coding strand, the complement: CLASP1 is on the minus strand). VCF-style: chr2-121530995-A-C. GRCh37 (hg19) VCF-style: chr2-122288571-A-C.
Other names: c.196-670T>G (NM_001142274.2, NM_015282.3, NM_001378003.1 and 4 more transcripts).
Identifiers: ClinVar variation 1373455 (VCV001373455.9), dbSNP rs982261295, ClinGen allele CA54811023.